The following is an entry in ClinVar:

ClinVar aggregate classification (germline): Uncertain significance (1 of 4 stars; one submission).

Submission:

Labcorp Genetics (formerly Invitae), Labcorp
Classification: Uncertain significance. Last evaluated: 2021-03-25. Review status: criteria provided, single submitter. Criteria: Invitae Variant Classification Sherloc (09022015). Collection method: clinical testing. Allele origin: germline.
Comment: In summary, the available evidence is currently insufficient to determine the role of this variant in disease. Therefore, it has been classified as a Variant of Uncertain Significance. Algorithms developed to predict the effect of missense changes on protein structure and function are either unavailable or do not agree on the potential impact of this missense change (SIFT: "Deleterious"; PolyPhen-2: "Probably Damaging"; Align-GVGD: "Class C0"). This variant has been observed in individual(s) with variegate porphyria (Invitae). This variant is not present in population databases (ExAC no frequency). This sequence change replaces serine with asparagine at codon 13 of the PPOX protein (p.Ser13Asn). The serine residue is moderately conserved and there is a small physicochemical difference between serine and asparagine.

NM_001122764.3(PPOX):c.38G>A (p.Ser13Asn)

Gene: PPOX (protoporphyrinogen oxidase; plus strand). Cytogenetic location: 1q23.3.
Variant type: single nucleotide variant.
Coding change: c.38G>A on transcript NM_001122764.3 (MANE Select); coding-DNA position 38, G replaced by A.
Protein change: p.Ser13Asn; replaces serine 13 with asparagine.
Molecular consequence: missense variant. On other transcripts: 5 prime UTR variant (5).
Genome position (GRCh38, 1-based): chr1:161,166,885, G>A. VCF-style: chr1-161166885-G-A. GRCh37 (hg19) VCF-style: chr1-161136675-G-A.
Other names: c.38G>A, p.Ser13Asn (NM_000309.5, NM_001350128.2, NM_001365398.1 and 1 more transcripts); c.-390G>A (NM_001350129.2); c.-481G>A (NM_001350130.2); c.-367G>A (NM_001350131.2); c.-274G>A (NM_001365400.1); c.-333G>A (NM_001365401.1); short protein forms S13N.
Identifiers: ClinVar variation 1501493 (VCV001501493.8), dbSNP rs2101841884, ClinGen allele CA343350472.